The following is an entry in ClinVar:

NM_004006.3(DMD):c.8560G>T (p.Glu2854Ter)

Gene: DMD (dystrophin; minus strand). Cytogenetic location: Xp21.2.
Variant type: single nucleotide variant.
Coding change: c.8560G>T on transcript NM_004006.3 (MANE Select); coding-DNA position 8560, G replaced by T.
Protein change: p.Glu2854Ter; replaces glutamic acid 2854 with a stop codon.
Molecular consequence: nonsense.
Genome position (GRCh38, 1-based): chrX:31,479,091, C>A on the plus strand (G>T on the coding strand, the complement: DMD is on the minus strand). VCF-style: chrX-31479091-C-A. GRCh37 (hg19) VCF-style: chrX-31497208-C-A.
Other names: c.8536G>T, p.Glu2846Ter (NM_000109.4); c.8548G>T, p.Glu2850Ter (NM_004009.3); c.8191G>T, p.Glu2731Ter (NM_004010.3); c.4537G>T, p.Glu1513Ter (NM_004011.4); c.4528G>T, p.Glu1510Ter (NM_004012.4); c.1180G>T, p.Glu394Ter (NM_004013.3, NM_004020.4, NM_004021.3 and 2 more transcripts); c.373G>T, p.Glu125Ter (NM_004014.3); short protein forms E1510*, E2854*, E394*, E2731*, E2846*, E2850*, E1513*, E125*.
Identifiers: ClinVar variation 2138507 (VCV002138507.4), dbSNP rs2068041236, ClinGen allele CA412654666.

ClinVar aggregate classification (germline): Pathogenic (1 of 4 stars; one submission).

Conditions:
Duchenne muscular dystrophy (DMD). Also called: MUSCULAR DYSTROPHY, PSEUDOHYPERTROPHIC PROGRESSIVE, DUCHENNE TYPE; Duchenne Muscular Dystrophy (DMD). Identifiers: Orphanet 98896, MedGen C0013264, MONDO:0010679, OMIM 310200.

Submission:

Labcorp Genetics (formerly Invitae), Labcorp
Classification: Pathogenic for Duchenne muscular dystrophy. Last evaluated: 2022-08-04. Review status: criteria provided, single submitter. Criteria: Invitae Variant Classification Sherloc (09022015). Collection method: clinical testing. Allele origin: germline.
Comment: For these reasons, this variant has been classified as Pathogenic. This premature translational stop signal has been observed in individual(s) with Duchenne muscular dystrophy (PMID: 28859693). This variant is not present in population databases (gnomAD no frequency). This sequence change creates a premature translational stop signal (p.Glu2854*) in the DMD gene. It is expected to result in an absent or disrupted protein product. Loss-of-function variants in DMD are known to be pathogenic (PMID: 16770791, 25007885).

Literature cited by the submitters: PubMed 28859693; PubMed 16770791; PubMed 25007885.